The following is an entry in ClinVar:

ClinVar aggregate classification (germline): Uncertain significance (1 of 4 stars; one submission).

Submission:

Labcorp Genetics (formerly Invitae), Labcorp
Classification: Uncertain significance. Last evaluated: 2024-03-26. Review status: criteria provided, single submitter. Criteria: Invitae Variant Classification Sherloc (09022015). Collection method: clinical testing. Allele origin: germline.
Comment: This sequence change replaces tyrosine, which is neutral and polar, with cysteine, which is neutral and slightly polar, at codon 60 of the ROR2 protein (p.Tyr60Cys). This variant is present in population databases (rs768160554, gnomAD 0.006%). This variant has not been reported in the literature in individuals affected with ROR2-related conditions. Advanced modeling of protein sequence and biophysical properties (such as structural, functional, and spatial information, amino acid conservation, physicochemical variation, residue mobility, and thermodynamic stability) performed at Invitae indicates that this missense variant is not expected to disrupt ROR2 protein function with a negative predictive value of 95%. In summary, the available evidence is currently insufficient to determine the role of this variant in disease. Therefore, it has been classified as a Variant of Uncertain Significance.

NM_004560.4(ROR2):c.179A>G (p.Tyr60Cys)

Gene: ROR2 (receptor tyrosine kinase like orphan receptor 2; minus strand). Cytogenetic location: 9q22.31.
Variant type: single nucleotide variant.
Coding change: c.179A>G on transcript NM_004560.4 (MANE Select); coding-DNA position 179, A replaced by G.
Protein change: p.Tyr60Cys; replaces tyrosine 60 with cysteine.
Molecular consequence: missense variant.
Genome position (GRCh38, 1-based): chr9:91,757,556, T>C on the plus strand (A>G on the coding strand, the complement: ROR2 is on the minus strand). VCF-style: chr9-91757556-T-C. GRCh37 (hg19) VCF-style: chr9-94519838-T-C.
Other names: c.179A>G, p.Tyr60Cys (NM_001318204.2); short protein forms Y60C.
Identifiers: ClinVar variation 3676970 (VCV003676970.2).